The following is an entry in ClinVar:

ClinVar aggregate classification (germline): Uncertain significance (1 of 4 stars; one submission).

Conditions:
Familial adenomatous polyposis 2. Also called: FAP type 2; COLORECTAL ADENOMATOUS POLYPOSIS, AUTOSOMAL RECESSIVE; ADENOMAS, MULTIPLE COLORECTAL, AUTOSOMAL RECESSIVE; MYH-associated polyposis; MUTYH Polyposis; Adenomas, multiple colorectal. Identifiers: Orphanet 220460, Orphanet 247798, MedGen C3272841, MONDO:0012041, OMIM 608456.

Submission:

Labcorp Genetics (formerly Invitae), Labcorp
Classification: Uncertain significance for Familial adenomatous polyposis 2. Last evaluated: 2025-02-09. Review status: criteria provided, single submitter. Criteria: Invitae Variant Classification Sherloc (09022015). Collection method: clinical testing. Allele origin: germline.
Comment: This sequence change replaces threonine, which is neutral and polar, with asparagine, which is neutral and polar, at codon 140 of the MUTYH protein (p.Thr140Asn). This variant is not present in population databases (gnomAD no frequency). This variant has not been reported in the literature in individuals affected with MUTYH-related conditions. An algorithm developed to predict the effect of missense changes on protein structure and function (PolyPhen-2) suggests that this variant is likely to be disruptive. In summary, the available evidence is currently insufficient to determine the role of this variant in disease. Therefore, it has been classified as a Variant of Uncertain Significance.

NM_001048174.2(MUTYH):c.335C>A (p.Thr112Asn)

Gene: MUTYH (mutY DNA glycosylase; minus strand). Cytogenetic location: 1p34.1.
Variant type: single nucleotide variant.
Coding change: c.335C>A on transcript NM_001048174.2 (MANE Select); coding-DNA position 335, C replaced by A.
Protein change: p.Thr112Asn; replaces threonine 112 with asparagine.
Molecular consequence: missense variant. On other transcripts: intron variant (3), non-coding transcript variant (6).
Genome position (GRCh38, 1-based): chr1:45,333,140, G>T on the plus strand (C>A on the coding strand, the complement: MUTYH is on the minus strand). VCF-style: chr1-45333140-G-T. GRCh37 (hg19) VCF-style: chr1-45798812-G-T.
Other names: c.368C>A, p.Thr123Asn (NM_001293191.2, NM_001407077.1); c.59C>A, p.Thr20Asn (NM_001293192.2, NM_001293196.2, NM_001407091.1); c.335C>A, p.Thr112Asn (NM_001293195.2, NM_001407070.1, NM_001407072.1 and 6 more transcripts); c.410C>A, p.Thr137Asn (NM_001407069.1, NM_012222.3); c.338C>A, p.Thr113Asn (NM_001407071.1, NM_001048172.2, NM_001407078.1 and 2 more transcripts); c.377C>A, p.Thr126Asn (NM_001407073.1, NM_001407083.1, NM_001407085.1); c.251C>A, p.Thr84Asn (NM_001407075.1); c.33+145C>A (NM_001350650.2, NM_001407082.1, NM_001350651.2); and 3 more; short protein forms T126N, T84N, T119N, T137N, T20N, T112N, T113N, T127N.
Identifiers: ClinVar variation 4712618 (VCV004712618.1).